The following is an entry in ClinVar:

ClinVar aggregate classification (germline): Uncertain significance (1 of 4 stars; one submission).

Conditions:
Cardiovascular phenotype. Identifiers: MedGen CN230736.

Submission:

Ambry Genetics
Classification: Uncertain significance for Cardiovascular phenotype. Last evaluated: 2022-09-13. Review status: criteria provided, single submitter. Criteria: Ambry Variant Classification Scheme 2023. Collection method: clinical testing. Allele origin: germline.
Comment: The p.E1209K variant (also known as c.3625G>A), located in coding exon 26 of the LAMA4 gene, results from a G to A substitution at nucleotide position 3625. The glutamic acid at codon 1209 is replaced by lysine, an amino acid with similar properties. This amino acid position is conserved. In addition, this alteration is predicted to be deleterious by in silico analysis. Since supporting evidence is limited at this time, the clinical significance of this alteration remains unclear.

NM_001105206.3(LAMA4):c.3646G>A (p.Glu1216Lys)

Gene: LAMA4 (laminin subunit alpha 4; minus strand). Cytogenetic location: 6q21.
Variant type: single nucleotide variant.
Coding change: c.3646G>A on transcript NM_001105206.3 (MANE Select); coding-DNA position 3646, G replaced by A.
Protein change: p.Glu1216Lys; replaces glutamic acid 1216 with lysine.
Molecular consequence: missense variant.
Genome position (GRCh38, 1-based): chr6:112,133,399, C>T on the plus strand (G>A on the coding strand, the complement: LAMA4 is on the minus strand). VCF-style: chr6-112133399-C-T. GRCh37 (hg19) VCF-style: chr6-112454601-C-T.
Other names: c.3625G>A, p.Glu1209Lys (NM_001105207.3, NM_002290.5); short protein forms E1216K, E1209K.
Identifiers: ClinVar variation 1733365 (VCV001733365.2), dbSNP rs1554330543, ClinGen allele CA365375484.